The following is an entry in ClinVar:

NM_017617.5(NOTCH1):c.3114C>G (p.Asp1038Glu)

Gene: NOTCH1 (notch receptor 1; minus strand). Cytogenetic location: 9q34.3.
Variant type: single nucleotide variant.
Coding change: c.3114C>G on transcript NM_017617.5 (MANE Select); coding-DNA position 3114, C replaced by G.
Protein change: p.Asp1038Glu; replaces aspartic acid 1038 with glutamic acid.
Molecular consequence: missense variant.
Genome position (GRCh38, 1-based): chr9:136,508,927, G>C on the plus strand (C>G on the coding strand, the complement: NOTCH1 is on the minus strand). VCF-style: chr9-136508927-G-C. GRCh37 (hg19) VCF-style: chr9-139403379-G-C.
Other names: short protein forms D1038E.
Identifiers: ClinVar variation 1727784 (VCV001727784.10), dbSNP rs769755236, ClinGen allele CA375552751.
Genomic context (GRCh38, chr9:136,508,927, plus strand): 5'-CACCTGGCAGTTGGGGCCAGTGTAGCCCTGGGGGCAGGTGCACCTGTAGGAGCCGCAGCC[G>C]TCCTGACAGGTGCCGCCATGCAGGCAGGGCTGTGAGTCGCACTCATTGACATCGTGCTGG-3'
Protein context (NP_060087.3, residues 1028-1048): QPCLHGGTCQ[Asp1038Glu]GCGSYRCTCP

ClinVar aggregate classification (germline): Uncertain significance. Review status: criteria provided, multiple submitters, no conflicts (2 of 4 stars). 2 submissions from 2 submitters: Uncertain significance (2). Last evaluated 2025-07-01.

Conditions:
Familial thoracic aortic aneurysm and aortic dissection (TAAD). Also called: Thoracic aortic aneurysms and dissections. Identifiers: Orphanet 91387, MedGen C4707243, MONDO:0019625.

Submissions (2):

CeGaT Center for Human Genetics Tuebingen
Classification: Uncertain significance. Last evaluated: 2025-07-01. Review status: criteria provided, single submitter. Criteria: CeGaT Center For Human Genetics Tuebingen Variant Classification Criteria Version 2. Collection method: clinical testing. Allele origin: germline. Affected: yes. Observed: 1 variant allele.
Comment: NOTCH1: PM2

Ambry Genetics
Classification: Uncertain significance for Familial thoracic aortic aneurysm and aortic dissection. Last evaluated: 2021-09-07. Review status: criteria provided, single submitter. Criteria: Ambry Variant Classification Scheme 2023. Collection method: clinical testing. Allele origin: germline.
Comment: The p.D1038E variant (also known as c.3114C>G), located in coding exon 19 of the NOTCH1 gene, results from a C to G substitution at nucleotide position 3114. The aspartic acid at codon 1038 is replaced by glutamic acid, an amino acid with highly similar properties. This amino acid position is conserved. In addition, the in silico prediction for this alteration is inconclusive. Since supporting evidence is limited at this time, the clinical significance of this alteration remains unclear.